The following is an entry in ClinVar:

ClinVar aggregate classification (germline): Uncertain significance. Review status: criteria provided, multiple submitters, no conflicts (2 of 4 stars). 2 submissions from 2 submitters: Uncertain significance (2). Last evaluated 2024-10-23.

Allele frequency attached by ClinVar (database versions not stated): gnomAD exomes 0.00004 and 0.00003; TOPMed 0.00004; ExAC 0.00005; gnomAD 0.00003 and 0.00002.
gnomAD v4.1: 44 of 1,614,028 alleles (0.0027%); highest among the groups gnomAD compares: Middle Eastern, 0.016%; no homozygotes.

Submissions (2):

Labcorp Genetics (formerly Invitae), Labcorp
Classification: Uncertain significance. Last evaluated: 2024-10-23. Review status: criteria provided, single submitter. Criteria: Invitae Variant Classification Sherloc (09022015). Collection method: clinical testing. Allele origin: germline.
Comment: This sequence change replaces glutamic acid, which is acidic and polar, with glutamine, which is neutral and polar, at codon 705 of the DHX32 protein (p.Glu705Gln). This variant is present in population databases (rs767167630, gnomAD 0.007%). This variant has not been reported in the literature in individuals affected with DHX32-related conditions. ClinVar contains an entry for this variant (Variation ID: 1376479). An algorithm developed to predict the effect of missense changes on protein structure and function (PolyPhen-2) suggests that this variant is likely to be disruptive. In summary, the available evidence is currently insufficient to determine the role of this variant in disease. Therefore, it has been classified as a Variant of Uncertain Significance.

Ambry Genetics
Classification: Uncertain significance. Last evaluated: 2024-05-15. Review status: criteria provided, single submitter. Criteria: Ambry Variant Classification Scheme 2023. Collection method: clinical testing. Allele origin: germline.

NM_018180.3(DHX32):c.2113G>C (p.Glu705Gln)

Genes: BCCIP (BRCA2 and CDKN1A interacting protein; plus strand), DHX32 (DEAH-box helicase 32 (putative); minus strand). Cytogenetic location: 10q26.2.
Variant type: single nucleotide variant.
Coding change: c.2113G>C on transcript NM_018180.3 (MANE Select); coding-DNA position 2113, G replaced by C.
Protein change: p.Glu705Gln; replaces glutamic acid 705 with glutamine.
Molecular consequence: missense variant. On other transcripts: intron variant (2).
Genome position (GRCh38, 1-based): chr10:125,836,806, C>G on the plus strand (G>C on the coding strand, the complement: DHX32 is on the minus strand). VCF-style: chr10-125836806-C-G. GRCh37 (hg19) VCF-style: chr10-127525375-C-G.
Other names: c.774+2860C>G (NM_016567.4, NM_078469.3); short protein forms E705Q.
Identifiers: ClinVar variation 1376479 (VCV001376479.7), dbSNP rs767167630, ClinGen allele CA5738960.
Genomic context (GRCh38, chr10:125,836,806, plus strand): 5'-TATTCATTGTTGACACAGGGGATAGGTGATCCACTACTTGCTGTAGAATGTCCTTACTTT[C>G]ACTAGGAGGCAGATTACTGAAATAGTATTGTGGTACCAGCTGCATAAATCTGTTTATTTA-3'
Protein context (NP_060650.2, residues 695-715): QYYFSNLPPS[Glu705Gln]SKDILQQVVD